The following is an entry in ClinVar:

NM_000256.3(MYBPC3):c.2737+4A>G

Gene: MYBPC3 (myosin binding protein C3; minus strand). Cytogenetic location: 11p11.2.
Variant type: single nucleotide variant.
Coding change: c.2737+4A>G on transcript NM_000256.3 (MANE Select); 4 bases into the intron after coding-DNA position 2737, A replaced by G.
Molecular consequence: intron variant.
Genome position (GRCh38, 1-based): chr11:47,335,873, T>C on the plus strand (A>G on the coding strand, the complement: MYBPC3 is on the minus strand). VCF-style: chr11-47335873-T-C. GRCh37 (hg19) VCF-style: chr11-47357424-T-C.
Identifiers: ClinVar variation 1361958 (VCV001361958.6), dbSNP rs2142853577, ClinGen allele CA2573146376.
Genomic context (GRCh38, chr11:47,335,873, plus strand): 5'-TGCTCAATGGCAAGGTGAGCATGTTCTTCCTTTGGGGAGGGGGGTTGGGGGCGGGGACAC[T>C]CACAGCCCTCTGGGCAGTACTCCACGCTGTAGCCATCCAGGCCTCCTGCTCCCACGCGCT-3'

ClinVar aggregate classification (germline): Uncertain significance (1 of 4 stars; one submission).

Conditions:
Hypertrophic cardiomyopathy. Also called: HYPERTROPHIC MYOCARDIOPATHY. Identifiers: Orphanet 217569, MedGen C0007194, MeSH D002312, MONDO:0005045, HP:0001639.

Submission:

Labcorp Genetics (formerly Invitae), Labcorp
Classification: Uncertain significance for Hypertrophic cardiomyopathy. Last evaluated: 2023-02-17. Review status: criteria provided, single submitter. Criteria: Invitae Variant Classification Sherloc (09022015). Collection method: clinical testing. Allele origin: germline.
Comment: This sequence change falls in intron 26 of the MYBPC3 gene. It does not directly change the encoded amino acid sequence of the MYBPC3 protein. It affects a nucleotide within the consensus splice site. This variant is not present in population databases (gnomAD no frequency). This variant has not been reported in the literature in individuals affected with MYBPC3-related conditions. ClinVar contains an entry for this variant (Variation ID: 1361958). Variants that disrupt the consensus splice site are a relatively common cause of aberrant splicing (PMID: 17576681, 9536098). Algorithms developed to predict the effect of sequence changes on RNA splicing suggest that this variant may disrupt the consensus splice site. In summary, the available evidence is currently insufficient to determine the role of this variant in disease. Therefore, it has been classified as a Variant of Uncertain Significance.

Literature cited by the submitters: PubMed 17576681; PubMed 9536098.